The following is an entry in ClinVar:

NM_001252024.2(TRPM1):c.2778C>T (p.Leu926=)

Genes: TRPM1 (transient receptor potential cation channel subfamily M member 1; minus strand), TRPM1-AS1 (TRPM1 antisense RNA 1; plus strand). Cytogenetic location: 15q13.3.
Variant type: single nucleotide variant.
Coding change: c.2778C>T on transcript NM_001252024.2 (MANE Select); coding-DNA position 2778, C replaced by T.
Protein change: p.Leu926=; no amino-acid change (leucine 926 retained).
Molecular consequence: synonymous variant.
Genome position (GRCh38, 1-based): chr15:31,032,863, G>A on the plus strand (C>T on the coding strand, the complement: TRPM1 is on the minus strand). VCF-style: chr15-31032863-G-A. GRCh37 (hg19) VCF-style: chr15-31325066-G-A.
Other names: c.2829C>T, p.Leu943= (NM_001252020.2); c.2712C>T, p.Leu904= (NM_002420.6); c.2829C>T (NM_001252020.1).
Identifiers: ClinVar variation 315505 (VCV000315505.14), dbSNP rs761531039, ClinGen allele CA7452071.

ClinVar aggregate classification (germline): Conflicting classifications of pathogenicity. Review status: criteria provided, conflicting classifications (1 of 4 stars). 4 submissions from 4 submitters: Uncertain significance (1); Benign (1); Likely benign (2). Last evaluated 2026-02-14.

Conditions:
Congenital stationary night blindness 1C. Also called: Night blindness, congenital stationary (complete), 1C, autosomal recessive. Identifiers: Orphanet 215, MedGen C2750747, MONDO:0013183, OMIM 613216.
TRPM1-related disorder. Also called: TRPM1-related condition.

Allele frequency attached by ClinVar (database versions not stated): gnomAD 0.00002; TOPMed 0.00003; gnomAD exomes 0.00006 and 0.00016; ExAC 0.00022.
gnomAD v4.1: 85 of 1,614,082 alleles (0.0053%); highest among the groups gnomAD compares: East Asian, 0.16%; no homozygotes.

Submissions (4):

PreventionGenetics, part of Exact Sciences
Classification: Likely benign for TRPM1-related condition. Last evaluated: 2026-02-14. Review status: criteria provided, single submitter. Criteria: ACMG Guidelines, 2015. Collection method: clinical testing. Allele origin: germline.
Comment: This variant is classified as likely benign based on ACMG/AMP sequence variant interpretation guidelines (Richards et al. 2015 PMID: 25741868, with internal and published modifications).

Labcorp Genetics (formerly Invitae), Labcorp
Classification: Benign. Last evaluated: 2025-12-19. Review status: criteria provided, single submitter. Criteria: Invitae Variant Classification Sherloc (09022015). Collection method: clinical testing. Allele origin: germline.

Blueprint Genetics
Classification: Likely benign. Last evaluated: 2024-11-05. Review status: criteria provided, single submitter. Criteria: ACMG Guidelines, 2015. Collection method: clinical testing. Allele origin: germline.

Illumina Laboratory Services, Illumina
Classification: Uncertain significance for Congenital stationary night blindness 1C. Last evaluated: 2018-01-12. Review status: criteria provided, single submitter. Criteria: ICSL Variant Classification Criteria 13 December 2019. Collection method: clinical testing. Allele origin: germline.